The following is an entry in ClinVar:

NM_004341.5(CAD):c.4595C>T (p.Ala1532Val)

Gene: CAD (carbamoyl-phosphate synthetase 2, aspartate transcarbamylase, and dihydroorotase; plus strand). Cytogenetic location: 2p23.3.
Variant type: single nucleotide variant.
Coding change: c.4595C>T on transcript NM_004341.5 (MANE Select); coding-DNA position 4595, C replaced by T.
Protein change: p.Ala1532Val; replaces alanine 1532 with valine.
Molecular consequence: missense variant.
Genome position (GRCh38, 1-based): chr2:27,237,749, C>T. VCF-style: chr2-27237749-C-T. GRCh37 (hg19) VCF-style: chr2-27460617-C-T.
Other names: c.4406C>T, p.Ala1469Val (NM_001306079.2); short protein forms A1469V, A1532V.
Identifiers: ClinVar variation 1440702 (VCV001440702.4), dbSNP rs200103144, ClinGen allele CA1573590.

ClinVar aggregate classification (germline): Uncertain significance (1 of 4 stars; one submission).

Allele frequency attached by ClinVar (database versions not stated): TOPMed 0.00004; gnomAD 0.00005 and 0.00004; 1000 Genomes Project 30x 0.00016; 1000 Genomes Project 0.00020; gnomAD exomes 0.00001; ExAC 0.00002.
gnomAD v4.1: 26 of 1,614,042 alleles (0.0016%); highest among the groups gnomAD compares: African/African-American, 0.012%; no homozygotes.

Submission:

Labcorp Genetics (formerly Invitae), Labcorp
Classification: Uncertain significance. Last evaluated: 2024-04-10. Review status: criteria provided, single submitter. Criteria: Invitae Variant Classification Sherloc (09022015). Collection method: clinical testing. Allele origin: germline.
Comment: This sequence change replaces alanine, which is neutral and non-polar, with valine, which is neutral and non-polar, at codon 1532 of the CAD protein (p.Ala1532Val). This variant is present in population databases (rs200103144, gnomAD 0.008%). This variant has not been reported in the literature in individuals affected with CAD-related conditions. ClinVar contains an entry for this variant (Variation ID: 1440702). An algorithm developed to predict the effect of missense changes on protein structure and function (PolyPhen-2) suggests that this variant¬†is likely to be tolerated. In summary, the available evidence is currently insufficient to determine the role of this variant in disease. Therefore, it has been classified as a Variant of Uncertain Significance.